The following is an entry in ClinVar:

NM_018972.4(GDAP1):c.311-1790_408del

Gene: GDAP1 (ganglioside induced differentiation associated protein 1; plus strand). Cytogenetic location: 8q21.11.
Variant type: Deletion.
Coding change: c.311-1790_408del on transcript NM_018972.4 (MANE Select); 1790 bases into the intron before coding-DNA position 311 through coding-DNA position 408, 1,888 bases deleted.
Molecular consequence: splice acceptor variant. On other transcripts: intron variant (1), initiator codon variant (2).
Genome position (GRCh38, 1-based): chr8:74,358,347-74,360,234, 1,888 bases deleted. GRCh37 (hg19): chr8:75,270,582-75,272,469.
Other names: c.311-1790_408del (NM_001362931.2); c.311-3537_311-1650del (NM_001362930.2); c.-17-1790_81del (NM_001362929.2, NM_001362932.2); c.107-1790_204del (NM_001040875.4).
Identifiers: ClinVar variation 406138 (VCV000406138.2), ClinGen allele CA16612645.

ClinVar aggregate classification (germline): Likely pathogenic (1 of 4 stars; one submission).

Conditions:
Charcot-Marie-Tooth disease type 4A. Also called: Charcot-Marie-Tooth disease, demyelinating, autosomal recessive, type 4a. Identifiers: Orphanet 99948, MedGen C1859198, MONDO:0008961, OMIM 214400.

Submission:

Labcorp Genetics (formerly Invitae), Labcorp
Classification: Likely pathogenic for Charcot-Marie-Tooth disease type 4A. Last evaluated: 2016-08-16. Review status: criteria provided, single submitter. Criteria: Invitae Variant Classification Sherloc (09022015). Collection method: clinical testing. Allele origin: germline.
Comment: This variant is a gross deletion that includes the first 96 nucleotides of exon 3 and the last 1790 nucleotides of intron 2 of the GDAP1 gene. This leads to an in-frame deletion, preserving the integrity of the reading frame. This variant has not been reported in the literature in individuals with a GDAP1-related disease. This deletion encompasses a region of the GDAP1 protein where a significant number of previously reported GDAP1 missense mutations are found (PMID: 12601710, 14561495, 21753178, 23628762). These observations suggest that this region of GDAP1 is functionally important. For these reasons, this variant has been classified as Likely Pathogenic.